The following is an entry in ClinVar:

NM_031372.4(HNRNPDL):c.163C>G (p.Arg55Gly)

Gene: HNRNPDL (heterogeneous nuclear ribonucleoprotein D like; minus strand). Cytogenetic location: 4q21.22.
Variant type: single nucleotide variant.
Coding change: c.163C>G on transcript NM_031372.4 (MANE Select); coding-DNA position 163, C replaced by G.
Protein change: p.Arg55Gly; replaces arginine 55 with glycine.
Molecular consequence: missense variant. On other transcripts: non-coding transcript variant (1).
Genome position (GRCh38, 1-based): chr4:82,429,528, G>C on the plus strand (C>G on the coding strand, the complement: HNRNPDL is on the minus strand). VCF-style: chr4-82429528-G-C. GRCh37 (hg19) VCF-style: chr4-83350681-G-C.
Other names: c.163C>G (NM_031372.3); c.163C>G, p.Arg55Gly (NM_001207000.1); short protein forms R55G.
Identifiers: ClinVar variation 1521524 (VCV001521524.7), dbSNP rs557384403, ClinGen allele CA2985129.

ClinVar aggregate classification (germline): Uncertain significance. Review status: criteria provided, multiple submitters, no conflicts (2 of 4 stars). 2 submissions from 2 submitters: Uncertain significance (2). Last evaluated 2024-09-10.

Conditions:
Autosomal dominant limb-girdle muscular dystrophy type 1G (LGMDD3). Also called: Limb-girdle muscular dystrophy, type 1G; MUSCULAR DYSTROPHY, LIMB-GIRDLE, AUTOSOMAL DOMINANT 3. Identifiers: Orphanet 55596, MedGen C1836765, MONDO:0012193, OMIM 609115.

Allele frequency attached by ClinVar (database versions not stated): gnomAD 0.00001; gnomAD exomes 0.00002; ExAC 0.00013; 1000 Genomes Project 0.00020; 1000 Genomes Project 30x 0.00031.
gnomAD v4.1: 11 of 1,488,132 alleles (0.00074%); highest among the groups gnomAD compares: South Asian, 0.014%; no homozygotes.

Submissions (2):

Ambry Genetics
Classification: Uncertain significance. Last evaluated: 2024-09-10. Review status: criteria provided, single submitter. Criteria: Ambry Variant Classification Scheme 2023. Collection method: clinical testing. Allele origin: germline.

Labcorp Genetics (formerly Invitae), Labcorp
Classification: Uncertain significance for Autosomal dominant limb-girdle muscular dystrophy type 1G. Last evaluated: 2023-12-02. Review status: criteria provided, single submitter. Criteria: Invitae Variant Classification Sherloc (09022015). Collection method: clinical testing. Allele origin: germline.
Comment: This sequence change replaces arginine, which is basic and polar, with glycine, which is neutral and non-polar, at codon 55 of the HNRNPDL protein (p.Arg55Gly). This variant is present in population databases (rs557384403, gnomAD 0.01%). This variant has not been reported in the literature in individuals affected with HNRNPDL-related conditions. ClinVar contains an entry for this variant (Variation ID: 1521524). An algorithm developed to predict the effect of missense changes on protein structure and function (PolyPhen-2) suggests that this variant is likely to be tolerated. In summary, the available evidence is currently insufficient to determine the role of this variant in disease. Therefore, it has been classified as a Variant of Uncertain Significance.